The following is an entry in ClinVar:

ClinVar aggregate classification (germline): Uncertain significance. Review status: criteria provided, multiple submitters, no conflicts (2 of 4 stars). 3 submissions from 3 submitters: Uncertain significance (2). 1 of the submissions does not count toward it. Last evaluated 2026-02-02.

Conditions:
Niemann-Pick disease, type C2 (NPC2). Identifiers: Orphanet 646, MedGen C1843366, MONDO:0011873, OMIM 607625.

Allele frequency attached by ClinVar (database versions not stated): ExAC 0.00001; gnomAD exomes 0.00002 and 0.00006; gnomAD 0.00005; TOPMed 0.00005.
gnomAD v4.1: 95 of 1,613,958 alleles (0.0059%); highest among the groups gnomAD compares: Non-Finnish European, 0.0075%; no homozygotes.

Submissions (3):

Labcorp Genetics (formerly Invitae), Labcorp
Classification: Uncertain significance for Niemann-Pick disease, type C2. Last evaluated: 2026-02-02. Review status: criteria provided, single submitter. Criteria: Invitae Variant Classification Sherloc (09022015). Collection method: clinical testing. Allele origin: germline.
Comment: This sequence change replaces asparagine, which is neutral and polar, with lysine, which is basic and polar, at codon 111 of the NPC2 protein (p.Asn111Lys). This variant is present in population databases (rs757377148, gnomAD 0.004%). This missense change has been observed in individual(s) with clinical features of NPC2-related conditions (PMID: 18081003). ClinVar contains an entry for this variant (Variation ID: 550596). An algorithm developed to predict the effect of missense changes on protein structure and function (PolyPhen-2) suggests that this variant is likely to be disruptive. In summary, the available evidence is currently insufficient to determine the role of this variant in disease. Therefore, it has been classified as a Variant of Uncertain Significance.

Fulgent Genetics
Classification: Uncertain significance for Niemann-Pick disease, type C2. Last evaluated: 2021-12-29. Review status: criteria provided, single submitter. Criteria: ACMG Guidelines, 2015. Collection method: clinical testing. Allele origin: unknown.

Counsyl
Classification: Uncertain significance for Niemann-Pick disease, type C2. Last evaluated: 2017-02-02. Review status: no assertion criteria provided. Collection method: clinical testing. Allele origin: unknown. Not counted in ClinVar's aggregate classification.

Literature cited by the submitters: PubMed 18081003 (cited by Labcorp Genetics (formerly Invitae), Labcorp); PubMed 24082139 (cited by Counsyl); PubMed 23433426 (cited by Counsyl).

NM_006432.5(NPC2):c.333T>G (p.Asn111Lys)

Gene: NPC2 (NPC intracellular cholesterol transporter 2; minus strand). Cytogenetic location: 14q24.3.
Variant type: single nucleotide variant.
Coding change: c.333T>G on transcript NM_006432.5 (MANE Select); coding-DNA position 333, T replaced by G.
Protein change: p.Asn111Lys; replaces asparagine 111 with lysine.
Molecular consequence: missense variant.
Genome position (GRCh38, 1-based): chr14:74,484,445, A>C on the plus strand (T>G on the coding strand, the complement: NPC2 is on the minus strand). VCF-style: chr14-74484445-A-C. GRCh37 (hg19) VCF-style: chr14-74951148-A-C.
Other names: c.333T>G, p.Asn111Lys (NM_001363688.1, NM_001375440.1); short protein forms N111K.
Identifiers: ClinVar variation 550596 (VCV000550596.6), dbSNP rs757377148, ClinGen allele CA7268147.